The following is an entry in ClinVar:

ClinVar aggregate classification (germline): Uncertain significance (1 of 4 stars; one submission).

Conditions:
Catecholaminergic polymorphic ventricular tachycardia 1. Also called: RYR2-Related Catecholaminergic Polymorphic Ventricular Tachycardia; VENTRICULAR TACHYCARDIA, CATECHOLAMINERGIC POLYMORPHIC, 1, WITH OR WITHOUT ATRIAL DYSFUNCTION AND/OR DILATED CARDIOMYOPATHY; VENTRICULAR TACHYCARDIA, STRESS-INDUCED POLYMORPHIC 1. Identifiers: Orphanet 3286, MedGen C1631597, MONDO:0011484, OMIM 604772.

Submission:

Labcorp Genetics (formerly Invitae), Labcorp
Classification: Uncertain significance for Catecholaminergic polymorphic ventricular tachycardia 1. Last evaluated: 2024-10-29. Review status: criteria provided, single submitter. Criteria: Invitae Variant Classification Sherloc (09022015). Collection method: clinical testing. Allele origin: germline.
Comment: This sequence change replaces glycine, which is neutral and non-polar, with aspartic acid, which is acidic and polar, at codon 3988 of the RYR2 protein (p.Gly3988Asp). This variant is not present in population databases (gnomAD no frequency). This missense change has been observed in individual(s) with clinical features of RYR2-related condition(s) (PMID: 34730774). ClinVar contains an entry for this variant (Variation ID: 2016362). An algorithm developed to predict the effect of missense changes on protein structure and function (PolyPhen-2) suggests that this variant is likely to be disruptive. Experimental studies are conflicting or provide insufficient evidence to determine the effect of this variant on RYR2 function (PMID: 34730774). In summary, the available evidence is currently insufficient to determine the role of this variant in disease. Therefore, it has been classified as a Variant of Uncertain Significance.

Literature cited by the submitters: PubMed 34730774.

NM_001035.3(RYR2):c.11963G>A (p.Gly3988Asp)

Gene: RYR2 (ryanodine receptor 2; plus strand). Cytogenetic location: 1q43.
Variant type: single nucleotide variant.
Coding change: c.11963G>A on transcript NM_001035.3 (MANE Select); coding-DNA position 11963, G replaced by A.
Protein change: p.Gly3988Asp; replaces glycine 3988 with aspartic acid.
Molecular consequence: missense variant.
Genome position (GRCh38, 1-based): chr1:237,783,675, G>A. VCF-style: chr1-237783675-G-A. GRCh37 (hg19) VCF-style: chr1-237946975-G-A.
Other names: short protein forms G3988D.
Identifiers: ClinVar variation 2016362 (VCV002016362.4), dbSNP rs2527771961, ClinGen allele CA345411770.